The following is an entry in ClinVar:

NM_005909.5(MAP1B):c.3387G>T (p.Glu1129Asp)

Gene: MAP1B (microtubule associated protein 1B; plus strand). Cytogenetic location: 5q13.2.
Variant type: single nucleotide variant.
Coding change: c.3387G>T on transcript NM_005909.5 (MANE Select); coding-DNA position 3387, G replaced by T.
Protein change: p.Glu1129Asp; replaces glutamic acid 1129 with aspartic acid.
Molecular consequence: missense variant.
Genome position (GRCh38, 1-based): chr5:72,196,742, G>T. VCF-style: chr5-72196742-G-T. GRCh37 (hg19) VCF-style: chr5-71492569-G-T.
Other names: c.3009G>T, p.Glu1003Asp (NM_001324255.2); short protein forms E1003D, E1129D.
Identifiers: ClinVar variation 4529853 (VCV004529853.1).

ClinVar aggregate classification (germline): Uncertain significance (1 of 4 stars; one submission).

Submission:

GeneDx
Classification: Uncertain significance. Last evaluated: 2025-05-14. Review status: criteria provided, single submitter. Criteria: GeneDx Variant Classification Process June 2021. Collection method: clinical testing. Allele origin: germline. Affected: yes.
Comment: Not observed at significant frequency in large population cohorts (gnomAD); In silico analysis suggests that this missense variant does not alter protein structure/function; Has not been previously published as pathogenic or benign to our knowledge